The following is an entry in ClinVar:

NM_003172.4(SURF1):c.515+1del

Gene: SURF1 (SURF1 cytochrome c oxidase assembly factor; minus strand). Cytogenetic location: 9q34.2.
Variant type: Deletion.
Coding change: c.515+1del on transcript NM_003172.4 (MANE Select); the canonical splice donor site of the intron after coding-DNA position 515, one base deleted (G; older notation c.515+1delG).
Molecular consequence: splice donor variant.
Genome position (GRCh38, 1-based): chr9:133,353,748, C deleted on the plus strand (G on the coding strand, the reverse complement: SURF1 is on the minus strand); the first of 4 consecutive C bases (chr9:133,353,748-133,353,751); deleting any one gives the same sequence. VCF-style (leftmost placement, unchanged base first): chr9-133353747-AC-A. GRCh37 (hg19) VCF-style: chr9-136220602-AC-A.
Other names: c.188+1del (NM_001280787.1).
Identifiers: ClinVar variation 2152654 (VCV002152654.6), dbSNP rs2490619353, ClinGen allele CA2580079939.

ClinVar aggregate classification (germline): Pathogenic/Likely pathogenic. Review status: criteria provided, multiple submitters, no conflicts (2 of 4 stars). 3 submissions from 3 submitters: Pathogenic (1); Likely pathogenic (2). Last evaluated 2024-04-20.

Conditions:
Mitochondrial complex IV deficiency, nuclear type 1 (MC4DN1). Also called: COX DEFICIENCY; Mitochondrial complex IV deficiency; Complex 4 mitochondrial respiratory chain deficiency; Deficiency of mitochondrial respiratory chain complex4; Complex IV deficiency. Identifiers: MedGen C5435656, MONDO:0700250, OMIM 220110. Disease mechanism: loss of function.
Charcot-Marie-Tooth disease type 4K. Also called: CHARCOT-MARIE-TOOTH DISEASE, DEMYELINATING, AUTOSOMAL RECESSIVE, TYPE 4K; CHARCOT-MARIE-TOOTH NEUROPATHY, DEMYELINATING, AUTOSOMAL RECESSIVE, TYPE 4K; CHARCOT-MARIE-TOOTH DISEASE, DEMYELINATING, TYPE 4K. Identifiers: Orphanet 391351, MedGen C4225246, MONDO:0014733, OMIM 616684.
SURF1-related disorder. Also called: SURF1-related condition.
Leigh syndrome (NULS). Also called: Leigh Disease; Subacute necrotizing encephalopathy; Necrotizing encephalopathy infantile subacute of Leigh; LEIGH SYNDROME, NUCLEAR; Leigh's necrotizing encephalopathy; Leigh's disease. Identifiers: Orphanet 506, MedGen C2931891, MONDO:0009723, OMIM 256000.

Submissions (3):

Fulgent Genetics
Classification: Likely pathogenic for Mitochondrial complex IV deficiency, nuclear type 1; Charcot-Marie-Tooth disease type 4K. Last evaluated: 2024-04-20. Review status: criteria provided, single submitter. Criteria: ACMG Guidelines, 2015. Collection method: clinical testing. Allele origin: germline.

Blueprint Genetics
Classification: Likely pathogenic for SURF1-related disorders. Last evaluated: 2024-04-18. Review status: criteria provided, single submitter. Criteria: ACMG Guidelines, 2015. Collection method: clinical testing. Allele origin: germline. Affected: yes. Observed: 1 variant allele.

Labcorp Genetics (formerly Invitae), Labcorp
Classification: Pathogenic for Leigh syndrome. Last evaluated: 2024-03-17. Review status: criteria provided, single submitter. Criteria: Invitae Variant Classification Sherloc (09022015). Collection method: clinical testing. Allele origin: germline.
Comment: This sequence change creates a premature translational stop signal (p.Gly172Glufs*6) in the SURF1 gene. It is expected to result in an absent or disrupted protein product. Loss-of-function variants in SURF1 are known to be pathogenic (PMID: 10443880, 22488715, 24027061). This variant is not present in population databases (gnomAD no frequency). This variant has not been reported in the literature in individuals affected with SURF1-related conditions. This variant is also known as c.515+1del. ClinVar contains an entry for this variant (Variation ID: 2152654). Algorithms developed to predict the effect of sequence changes on RNA splicing suggest that this variant may disrupt the consensus splice site. For these reasons, this variant has been classified as Pathogenic.

Literature cited by the submitters: PubMed 10443880 (cited by Labcorp Genetics (formerly Invitae), Labcorp); PubMed 22488715 (cited by Labcorp Genetics (formerly Invitae), Labcorp); PubMed 24027061 (cited by Labcorp Genetics (formerly Invitae), Labcorp).